The following is an entry in ClinVar:

ClinVar aggregate classification (germline): Uncertain significance (1 of 4 stars; one submission).

Conditions:
Cerebral cavernous malformation 2. Also called: Familial Cerebral Cavernous Malformation 2. Identifiers: Orphanet 221061, MedGen C1864041, MONDO:0011304, OMIM 603284.

gnomAD v4.1: 5 of 1,613,100 alleles (0.00031%); highest among the groups gnomAD compares: East Asian, 0.0022%; no homozygotes.

Submission:

Labcorp Genetics (formerly Invitae), Labcorp
Classification: Uncertain significance for Cerebral cavernous malformation 2. Last evaluated: 2025-08-21. Review status: criteria provided, single submitter. Criteria: Invitae Variant Classification Sherloc (09022015). Collection method: clinical testing. Allele origin: germline.
Comment: This sequence change replaces arginine, which is basic and polar, with cysteine, which is neutral and slightly polar, at codon 423 of the CCM2 protein (p.Arg423Cys). This variant is present in population databases (rs751785013, gnomAD 0.006%). This variant has not been reported in the literature in individuals affected with CCM2-related conditions. Invitae Evidence Modeling of protein sequence and biophysical properties (such as structural, functional, and spatial information, amino acid conservation, physicochemical variation, residue mobility, and thermodynamic stability) indicates that this missense variant is not expected to disrupt CCM2 protein function with a negative predictive value of 80%. In summary, the available evidence is currently insufficient to determine the role of this variant in disease. Therefore, it has been classified as a Variant of Uncertain Significance.

NM_031443.4(CCM2):c.1267C>T (p.Arg423Cys)

Gene: CCM2 (CCM2 scaffold protein; plus strand). Cytogenetic location: 7p13.
Variant type: single nucleotide variant.
Coding change: c.1267C>T on transcript NM_031443.4 (MANE Select); coding-DNA position 1267, C replaced by T.
Protein change: p.Arg423Cys; replaces arginine 423 with cysteine.
Molecular consequence: missense variant. On other transcripts: non-coding transcript variant (1).
Genome position (GRCh38, 1-based): chr7:45,075,989, C>T. VCF-style: chr7-45075989-C-T. GRCh37 (hg19) VCF-style: chr7-45115588-C-T.
Other names: c.1330C>T, p.Arg444Cys (NM_001029835.2); c.1093C>T, p.Arg365Cys (NM_001167934.2); c.994C>T, p.Arg332Cys (NM_001167935.2); c.1390C>T, p.Arg464Cys (NM_001363458.2); c.1216C>T, p.Arg406Cys (NM_001363459.2); short protein forms R332C, R365C, R406C, R423C, R444C, R464C.
Identifiers: ClinVar variation 4743578 (VCV004743578.1).